The following is an entry in ClinVar:

ClinVar aggregate classification (germline): Uncertain significance (1 of 4 stars; one submission).

Conditions:
Propionic acidemia (PROP). Also called: KETOTIC HYPERGLYCINEMIA; GLYCINEMIA, KETOTIC; HYPERGLYCINEMIA WITH KETOACIDOSIS AND LEUKOPENIA. Identifiers: Orphanet 35, MedGen C0268579, MONDO:0011628, OMIM 606054, HP:0003571.

gnomAD v4.1: 1 of 1,614,184 alleles (0.000062%); no homozygotes.

Submission:

Labcorp Genetics (formerly Invitae), Labcorp
Classification: Uncertain significance for Propionic acidemia. Last evaluated: 2023-05-03. Review status: criteria provided, single submitter. Criteria: Invitae Variant Classification Sherloc (09022015). Collection method: clinical testing. Allele origin: germline.
Comment: This sequence change replaces glutamic acid, which is acidic and polar, with glutamine, which is neutral and polar, at codon 488 of the PCCB protein (p.Glu488Gln). This variant is not present in population databases (gnomAD no frequency). This variant has not been reported in the literature in individuals affected with PCCB-related conditions. Advanced modeling of protein sequence and biophysical properties (such as structural, functional, and spatial information, amino acid conservation, physicochemical variation, residue mobility, and thermodynamic stability) performed at Invitae indicates that this missense variant is not expected to disrupt PCCB protein function. In summary, the available evidence is currently insufficient to determine the role of this variant in disease. Therefore, it has been classified as a Variant of Uncertain Significance.

NM_000532.5(PCCB):c.1462G>C (p.Glu488Gln)

Gene: PCCB (propionyl-CoA carboxylase subunit beta; plus strand). Cytogenetic location: 3q22.3.
Variant type: single nucleotide variant.
Coding change: c.1462G>C on transcript NM_000532.5 (MANE Select); coding-DNA position 1462, G replaced by C.
Protein change: p.Glu488Gln; replaces glutamic acid 488 with glutamine.
Molecular consequence: missense variant.
Genome position (GRCh38, 1-based): chr3:136,328,821, G>C. VCF-style: chr3-136328821-G-C. GRCh37 (hg19) VCF-style: chr3-136047663-G-C.
Other names: c.1522G>C, p.Glu508Gln (NM_001178014.2); short protein forms E508Q, E488Q.
Identifiers: ClinVar variation 2783099 (VCV002783099.3), dbSNP rs755323819, ClinGen allele CA354649681.